The following is an entry in ClinVar:

NM_001873.4(CPE):c.1152A>G (p.Gln384=)

Gene: CPE (carboxypeptidase E; plus strand). Cytogenetic location: 4q32.3.
Variant type: single nucleotide variant.
Coding change: c.1152A>G on transcript NM_001873.4 (MANE Select); coding-DNA position 1152, A replaced by G.
Protein change: p.Gln384=; no amino-acid change (glutamine 384 retained).
Molecular consequence: synonymous variant.
Genome position (GRCh38, 1-based): chr4:165,493,209, A>G. VCF-style: chr4-165493209-A-G. GRCh37 (hg19) VCF-style: chr4-166414361-A-G.
Other names: c.1152A>G (NM_001873.2).
Identifiers: ClinVar variation 3032761 (VCV003032761.4), dbSNP rs956945391, ClinGen allele CA109784730.
Genomic context (GRCh38, chr4:165,493,209, plus strand): 5'-TGGTTATTTTTGACCTTCACAGATACACCGAGGAGTTAAAGGATTTGTCCGAGACCTTCA[A>G]GGTAACCCAATTGCGAATGCCACCATCTCCGTGGAAGGAATAGACCACGATGTTACATCC-3'
Protein context (NP_001864.1, residues 374-394): RGVKGFVRDL[Gln384=]GNPIANATIS

ClinVar aggregate classification (germline): Likely benign. Review status: criteria provided, multiple submitters, no conflicts (2 of 4 stars). 3 submissions from 3 submitters: Likely benign (2). 1 of the submissions does not count toward it. Last evaluated 2024-11-15.

Conditions:
CPE-related disorder. Also called: CPE-related condition.
Inborn genetic diseases. Identifiers: MedGen C0950123, MeSH D030342.

Allele frequency attached by ClinVar (database versions not stated): gnomAD exomes 0.00001; gnomAD 0.00003; TOPMed 0.00005.
gnomAD v4.1: 13 of 1,614,032 alleles (0.00081%); highest among the groups gnomAD compares: African/African-American, 0.015%; no homozygotes.

Submissions (3):

Ambry Genetics
Classification: Likely benign for Inborn genetic diseases. Last evaluated: 2024-11-15. Review status: criteria provided, single submitter. Criteria: Ambry Variant Classification Scheme 2023. Collection method: clinical testing. Allele origin: germline.

Blueprint Genetics
Classification: Likely benign. Last evaluated: 2021-11-09. Review status: criteria provided, single submitter. Criteria: ACMG Guidelines, 2015. Collection method: clinical testing. Allele origin: germline.

PreventionGenetics, part of Exact Sciences
Classification: Likely benign for CPE-related condition. Last evaluated: 2023-02-09. Review status: no assertion criteria provided. Collection method: clinical testing. Allele origin: germline. Not counted in ClinVar's aggregate classification.
Comment: This variant is classified as likely benign based on ACMG/AMP sequence variant interpretation guidelines (Richards et al. 2015 PMID: 25741868, with internal and published modifications).